The following is an entry in ClinVar:

NM_001142864.4(PIEZO1):c.6204C>T (p.Phe2068=)

Gene: PIEZO1 (piezo type mechanosensitive ion channel component 1 (Er blood group); minus strand). Cytogenetic location: 16q24.3.
Variant type: single nucleotide variant.
Coding change: c.6204C>T on transcript NM_001142864.4 (MANE Select); coding-DNA position 6204, C replaced by T.
Protein change: p.Phe2068=; no amino-acid change (phenylalanine 2068 retained).
Molecular consequence: synonymous variant.
Genome position (GRCh38, 1-based): chr16:88,719,921, G>A on the plus strand (C>T on the coding strand, the complement: PIEZO1 is on the minus strand). VCF-style: chr16-88719921-G-A. GRCh37 (hg19) VCF-style: chr16-88786329-G-A.
Identifiers: ClinVar variation 3352947 (VCV003352947.1).

ClinVar aggregate classification (germline): Likely benign (0 of 4 stars; one submission).

Conditions:
PIEZO1-related disorder. Also called: PIEZO1-related condition; PIEZO1-Related Disorders.

gnomAD v4.1: 34 of 1,550,406 alleles (0.0022%); highest among the groups gnomAD compares: Middle Eastern, 0.017%; no homozygotes.

Submission:

PreventionGenetics, part of Exact Sciences
Classification: Likely benign for PIEZO1-related condition. Last evaluated: 2024-04-23. Review status: no assertion criteria provided. Collection method: clinical testing. Allele origin: germline.
Comment: This variant is classified as likely benign based on ACMG/AMP sequence variant interpretation guidelines (Richards et al. 2015 PMID: 25741868, with internal and published modifications).